The following is an entry in ClinVar:

ClinVar aggregate classification (germline): Benign/Likely benign. Review status: criteria provided, multiple submitters, no conflicts (2 of 4 stars). 12 submissions from 11 submitters: Benign (6); Likely benign (2). 4 of the submissions do not count toward it. Last evaluated 2026-02-03.

Conditions:
Emery-Dreifuss muscular dystrophy 4, autosomal dominant (EDMD4). Also called: EMERY-DREIFUSS MUSCULAR DYSTROPHY 4 WITH VARIABLE FEATURES. Identifiers: Orphanet 261, MedGen C2751807, MONDO:0013071, OMIM 612998.
Autosomal recessive ataxia, Beauce type. Also called: SYNE1-Related Autosomal Recessive Cerebellar Ataxia; ATAXIA, RECESSIVE, OF BEAUCE; Spinocerebellar ataxia, autosomal recessive 8; SYNE1 Deficiency. Identifiers: Orphanet 88644, MedGen C1853116, MONDO:0012549, OMIM 610743.

Allele frequency attached by ClinVar (database versions not stated): 1000 Genomes Project 30x 0.01359; ESP Exome Variant Server 0.01607; ExAC 0.01931; TOPMed 0.01457; gnomAD 0.02134; 1000 Genomes Project 0.01278.
gnomAD v4.1: 26,659 of 1,614,052 alleles (1.7%); highest among the groups gnomAD compares: Middle Eastern, 3.3%; 281 homozygotes.

Submissions (12):

Labcorp Genetics (formerly Invitae), Labcorp
Classification: Benign for Emery-Dreifuss muscular dystrophy 4, autosomal dominant; Autosomal recessive ataxia, Beauce type. Last evaluated: 2026-02-03. Review status: criteria provided, single submitter. Criteria: Invitae Variant Classification Sherloc (09022015). Collection method: clinical testing. Allele origin: germline.

Athena Diagnostics
Classification: Benign. Last evaluated: 2019-02-26. Review status: criteria provided, single submitter. Criteria: Athena Diagnostics Criteria. Collection method: clinical testing. Allele origin: germline.

Mayo Clinic Laboratories, Mayo Clinic
Classification: Benign. Last evaluated: 2018-01-18. Review status: criteria provided, single submitter. Criteria: ACMG Guidelines, 2015. Collection method: clinical testing. Allele origin: germline. Observed: 36 variant alleles.

Illumina Laboratory Services, Illumina
Classification: Benign for Emery-Dreifuss muscular dystrophy 4, autosomal dominant. Last evaluated: 2018-01-12. Review status: criteria provided, single submitter. Criteria: ICSL Variant Classification Criteria 13 December 2019. Collection method: clinical testing. Allele origin: germline.
Comment: This variant was observed in the ICSL laboratory as part of a predisposition screen in an ostensibly healthy population. It had not been previously curated by ICSL or reported in the Human Gene Mutation Database (HGMD: prior to June 1st, 2018), and was therefore a candidate for classification through an automated scoring system. Utilizing variant allele frequency, disease prevalence and penetrance estimates, and inheritance mode, an automated score was calculated to assess if this variant is too frequent to cause the disease. Based on the score and internal cut-off values, a variant classified as benign is not then subjected to further curation. The score for this variant resulted in a classification of benign for this disease.

Illumina Laboratory Services, Illumina
Classification: Benign for Autosomal recessive ataxia, Beauce type. Last evaluated: 2018-01-12. Review status: criteria provided, single submitter. Criteria: ICSL Variant Classification Criteria 13 December 2019. Collection method: clinical testing. Allele origin: germline.
Comment: the same text as in the submission from Illumina Laboratory Services, Illumina above.

GeneDx
Classification: Benign. Last evaluated: 2016-02-23. Review status: criteria provided, single submitter. Criteria: GeneDx Variant Classification (06012015). Collection method: clinical testing. Allele origin: germline. Affected: yes.
Comment: This variant is considered likely benign or benign based on one or more of the following criteria: it is a conservative change, it occurs at a poorly conserved position in the protein, it is predicted to be benign by multiple in silico algorithms, and/or has population frequency not consistent with disease.

Breakthrough Genomics
Classification: Likely benign. Review status: criteria provided, single submitter. Criteria: ACMG Guidelines, 2015. Collection method: not provided. Allele origin: germline. Inheritance: Autosomal recessive inheritance. Affected: yes.

PreventionGenetics, part of Exact Sciences
Classification: Likely benign. Review status: criteria provided, single submitter. Criteria: ACMG Guidelines, 2015. Collection method: clinical testing. Allele origin: germline.

Clinical Genetics DNA and cytogenetics Diagnostics Lab, Erasmus MC, Erasmus Medical Center
Classification: Benign. Review status: no assertion criteria provided. Collection method: clinical testing. Allele origin: germline. Affected: yes. Study: VKGL Data-share Consensus. Not counted in ClinVar's aggregate classification.

Clinical Genetics, Academic Medical Center
Classification: Benign. Review status: no assertion criteria provided. Collection method: clinical testing. Allele origin: germline. Affected: yes. Study: VKGL Data-share Consensus. Not counted in ClinVar's aggregate classification.

Diagnostic Laboratory, Department of Genetics, University Medical Center Groningen
Classification: Benign. Review status: no assertion criteria provided. Collection method: clinical testing. Allele origin: germline. Affected: yes. Study: VKGL Data-share Consensus. Not counted in ClinVar's aggregate classification.

Genetic Services Laboratory, University of Chicago
Classification: Likely benign for AllHighlyPenetrant. Review status: no assertion criteria provided. Collection method: clinical testing. Allele origin: germline. Inheritance: Autosomal dominant inheritance. Not counted in ClinVar's aggregate classification.
Comment: Likely benign based on allele frequency in 1000 Genomes Project or ESP global frequency and its presence in a patient with a rare or unrelated disease phenotype. NOT Sanger confirmed.

Literature cited by the submitters: PubMed 28178086 (cited by Athena Diagnostics).

NM_182961.4(SYNE1):c.3960A>G (p.Thr1320=)

Gene: SYNE1 (spectrin repeat containing nuclear envelope protein 1; minus strand). Cytogenetic location: 6q25.2.
Variant type: single nucleotide variant.
Coding change: c.3960A>G on transcript NM_182961.4 (MANE Select); coding-DNA position 3960, A replaced by G.
Protein change: p.Thr1320=; no amino-acid change (threonine 1320 retained).
Molecular consequence: synonymous variant.
Genome position (GRCh38, 1-based): chr6:152,442,123, T>C on the plus strand (A>G on the coding strand, the complement: SYNE1 is on the minus strand). VCF-style: chr6-152442123-T-C. GRCh37 (hg19) VCF-style: chr6-152763258-T-C.
Other names: p.Thr1327=; c.3981A>G, p.Thr1327= (NM_033071.5).
Identifiers: ClinVar variation 130444 (VCV000130444.28), dbSNP rs138705766, ClinGen allele CA155474.